The following is an entry in ClinVar:

ClinVar aggregate classification (germline): Uncertain significance (1 of 4 stars; one submission).

Conditions:
Acyl-CoA oxidase deficiency. Also called: STRAIGHT-CHAIN ACYL-CoA OXIDASE DEFICIENCY; Pseudoneonatal adrenoleukodystrophy; Peroxisomal acyl-CoA oxidase deficiency. Identifiers: Orphanet 2971, MedGen C1849678, MONDO:0009919, OMIM 264470. Disease mechanism: loss of function.

gnomAD v4.1: 3 of 1,614,060 alleles (0.00019%); highest among the groups gnomAD compares: Non-Finnish European, 0.00025%; no homozygotes.

Submission:

Labcorp Genetics (formerly Invitae), Labcorp
Classification: Uncertain significance for Acyl-CoA oxidase deficiency. Last evaluated: 2024-01-18. Review status: criteria provided, single submitter. Criteria: Invitae Variant Classification Sherloc (09022015). Collection method: clinical testing. Allele origin: germline.
Comment: This sequence change replaces isoleucine, which is neutral and non-polar, with threonine, which is neutral and polar, at codon 497 of the ACOX1 protein (p.Ile497Thr). This variant is not present in population databases (gnomAD no frequency). This variant has not been reported in the literature in individuals affected with ACOX1-related conditions. Advanced modeling of protein sequence and biophysical properties (such as structural, functional, and spatial information, amino acid conservation, physicochemical variation, residue mobility, and thermodynamic stability) performed at Invitae indicates that this missense variant is not expected to disrupt ACOX1 protein function with a negative predictive value of 80%. In summary, the available evidence is currently insufficient to determine the role of this variant in disease. Therefore, it has been classified as a Variant of Uncertain Significance.

NM_004035.7(ACOX1):c.1490T>C (p.Ile497Thr)

Gene: ACOX1 (acyl-CoA oxidase 1; minus strand). Cytogenetic location: 17q25.1.
Variant type: single nucleotide variant.
Coding change: c.1490T>C on transcript NM_004035.7 (MANE Select); coding-DNA position 1490, T replaced by C.
Protein change: p.Ile497Thr; replaces isoleucine 497 with threonine.
Molecular consequence: missense variant.
Genome position (GRCh38, 1-based): chr17:75,949,589, A>G on the plus strand (T>C on the coding strand, the complement: ACOX1 is on the minus strand). VCF-style: chr17-75949589-A-G. GRCh37 (hg19) VCF-style: chr17-73945670-A-G.
Other names: c.1376T>C, p.Ile459Thr (NM_001185039.2); c.1490T>C, p.Ile497Thr (NM_007292.6); short protein forms I497T, I459T.
Identifiers: ClinVar variation 2905951 (VCV002905951.3), dbSNP rs2546074901, ClinGen allele CA401060596.
Genomic context (GRCh38, chr17:75,949,589, plus strand): 5'-TTCCAAGCTACCTCCTTGCTTTTTCTGTGAATCACTTCTTTTTGAAGGTTTTTTGCAGCA[A>G]TTTCTACTAATCTGTTAAGACATAGATTGGAGGTCTGAGGAAATGATCAACAGTACTCAT-3'
Protein context (NP_004026.2, residues 487-507): YKLRAARLVE[Ile497Thr]AAKNLQKEVI